The following is an entry in ClinVar:

NM_001004320.2(AGMO):c.839C>A (p.Ser280Tyr)

Gene: AGMO (alkylglycerol monooxygenase; minus strand). Cytogenetic location: 7p21.2.
Variant type: single nucleotide variant.
Coding change: c.839C>A on transcript NM_001004320.2 (MANE Select); coding-DNA position 839, C replaced by A.
Protein change: p.Ser280Tyr; replaces serine 280 with tyrosine.
Molecular consequence: missense variant.
Genome position (GRCh38, 1-based): chr7:15,387,524, G>T on the plus strand (C>A on the coding strand, the complement: AGMO is on the minus strand). VCF-style: chr7-15387524-G-T. GRCh37 (hg19) VCF-style: chr7-15427149-G-T.
Other names: short protein forms S280Y.
Identifiers: ClinVar variation 3056029 (VCV003056029.2), dbSNP rs59160822, ClinGen allele CA4168517.

ClinVar aggregate classification (germline): Benign (0 of 4 stars; one submission).

Conditions:
AGMO-related disorder. Also called: AGMO-related condition.

Allele frequency attached by ClinVar (database versions not stated): gnomAD exomes 0.00321; ExAC 0.01039; gnomAD 0.03277; 1000 Genomes Project 0.03315; ESP Exome Variant Server 0.03537; TOPMed 0.03618; 1000 Genomes Project 30x 0.03748.
gnomAD v4.1: 9,803 of 1,610,442 alleles (0.61%); highest among the groups gnomAD compares: African/African-American, 11%; 514 homozygotes.

Submission:

PreventionGenetics, part of Exact Sciences
Classification: Benign for AGMO-related condition. Last evaluated: 2024-02-14. Review status: no assertion criteria provided. Collection method: clinical testing. Allele origin: germline.
Comment: This variant is classified as benign based on ACMG/AMP sequence variant interpretation guidelines (Richards et al. 2015 PMID: 25741868, with internal and published modifications).